The following is an entry in ClinVar:

ClinVar aggregate classification (germline): Uncertain significance. Review status: criteria provided, multiple submitters, no conflicts (2 of 4 stars). 2 submissions from 2 submitters: Uncertain significance (2). Last evaluated 2024-05-14.

Conditions:
Inborn genetic diseases. Identifiers: MedGen C0950123, MeSH D030342.

Allele frequency attached by ClinVar (database versions not stated): TOPMed below 0.00001; gnomAD 0.00001; gnomAD exomes 0.00001; ExAC 0.00002.
gnomAD v4.1: 8 of 1,613,914 alleles (0.0005%); highest among the groups gnomAD compares: Admixed American, 0.0033%; no homozygotes.

Submissions (2):

Labcorp Genetics (formerly Invitae), Labcorp
Classification: Uncertain significance. Last evaluated: 2024-05-14. Review status: criteria provided, single submitter. Criteria: Invitae Variant Classification Sherloc (09022015). Collection method: clinical testing. Allele origin: germline.
Comment: This sequence change replaces glutamic acid, which is acidic and polar, with aspartic acid, which is acidic and polar, at codon 1863 of the SCN3A protein (p.Glu1863Asp). This variant is present in population databases (rs200922494, gnomAD 0.006%). This variant has not been reported in the literature in individuals affected with SCN3A-related conditions. ClinVar contains an entry for this variant (Variation ID: 1047165). Advanced modeling of protein sequence and biophysical properties (such as structural, functional, and spatial information, amino acid conservation, physicochemical variation, residue mobility, and thermodynamic stability) performed at Invitae indicates that this missense variant is not expected to disrupt SCN3A protein function with a negative predictive value of 95%. In summary, the available evidence is currently insufficient to determine the role of this variant in disease. Therefore, it has been classified as a Variant of Uncertain Significance.

Ambry Genetics
Classification: Uncertain significance for Inborn genetic diseases. Last evaluated: 2021-08-23. Review status: criteria provided, single submitter. Criteria: Ambry Variant Classification Scheme 2023. Collection method: clinical testing. Allele origin: germline.

NM_006922.4(SCN3A):c.5589G>C (p.Glu1863Asp)

Gene: SCN3A (sodium voltage-gated channel alpha subunit 3; minus strand). Cytogenetic location: 2q24.3.
Variant type: single nucleotide variant.
Coding change: c.5589G>C on transcript NM_006922.4 (MANE Select); coding-DNA position 5589, G replaced by C.
Protein change: p.Glu1863Asp; replaces glutamic acid 1863 with aspartic acid.
Molecular consequence: missense variant.
Genome position (GRCh38, 1-based): chr2:165,090,564, C>G on the plus strand (G>C on the coding strand, the complement: SCN3A is on the minus strand). VCF-style: chr2-165090564-C-G. GRCh37 (hg19) VCF-style: chr2-165947074-C-G.
Other names: c.5442G>C, p.Glu1814Asp (NM_001081676.2, NM_001081677.2); c.5589G>C (NM_006922.3); short protein forms E1814D, E1863D.
Identifiers: ClinVar variation 1047165 (VCV001047165.7), dbSNP rs200922494, ClinGen allele CA1938380.